The following is an entry in ClinVar:

ClinVar aggregate classification (germline): Conflicting classifications of pathogenicity. Review status: criteria provided, conflicting classifications (1 of 4 stars). 5 submissions from 5 submitters: Uncertain significance (2); Likely benign (3). Last evaluated 2025-12-29.

Conditions:
DICER1-related disorder. Also called: DICER1-related condition.
DICER1-related tumor predisposition. Also called: DICER1 syndrome; DICER1-related pleuropulmonary blastoma cancer predisposition syndrome. Identifiers: Orphanet 284343, MedGen C3839822, MONDO:0100216.
Hereditary cancer-predisposing syndrome. Also called: Neoplastic Syndromes, Hereditary; Tumor predisposition; Hereditary Cancer Syndrome; Hereditary neoplastic syndrome. Identifiers: Orphanet 140162, MedGen C0027672, MeSH D009386, MONDO:0015356.

Allele frequency attached by ClinVar (database versions not stated): TOPMed 0.00003; ExAC 0.00004; 1000 Genomes Project 30x 0.00031; 1000 Genomes Project 0.00040.
gnomAD v4.1: 65 of 1,613,970 alleles (0.004%); highest among the groups gnomAD compares: Middle Eastern, 0.067%; 1 homozygote.

Submissions (5):

Labcorp Genetics (formerly Invitae), Labcorp
Classification: Likely benign for DICER1-related tumor predisposition. Last evaluated: 2025-12-29. Review status: criteria provided, single submitter. Criteria: Invitae Variant Classification Sherloc (09022015). Collection method: clinical testing. Allele origin: germline.

PreventionGenetics, part of Exact Sciences
Classification: Likely benign for DICER1-related condition. Last evaluated: 2025-10-13. Review status: criteria provided, single submitter. Criteria: ACMG Guidelines, 2015. Collection method: clinical testing. Allele origin: germline.
Comment: This variant is classified as likely benign based on ACMG/AMP sequence variant interpretation guidelines (Richards et al. 2015 PMID: 25741868, with internal and published modifications).

GeneDx
Classification: Uncertain significance. Last evaluated: 2024-04-05. Review status: criteria provided, single submitter. Criteria: GeneDx Variant Classification Process June 2021. Collection method: clinical testing. Allele origin: germline. Affected: yes.
Comment: In silico analysis indicates that this missense variant does not alter protein structure/function; Has not been previously published as pathogenic or benign to our knowledge

ARUP Laboratories, Molecular Genetics and Genomics, ARUP Laboratories
Classification: Uncertain significance. Last evaluated: 2019-12-28. Review status: criteria provided, single submitter. Criteria: ARUP Molecular Germline Variant Investigation Process. Collection method: clinical testing. Allele origin: germline.
Comment: The DICER1 c.3260C>T; p.Ala1087Val variant (rs180918578), to our knowledge, is not reported in the medical literature but is reported in the ClinVar database (Variation ID: 412112). This variant is found in the general population with an overall allele frequency of 0.005% (13/251364 alleles, including 1 homozygote) in the Genome Aggregation Database. The alanine at codon 1087 is weakly conserved, and computational analyses (SIFT, PolyPhen-2) predict that this variant is tolerated. Due to limited information, the clinical significance of this variant is uncertain at this time.

Ambry Genetics
Classification: Likely benign for Hereditary cancer-predisposing syndrome. Last evaluated: 2018-05-22. Review status: criteria provided, single submitter. Criteria: Ambry Variant Classification Scheme 2023. Collection method: clinical testing. Allele origin: germline.

NM_177438.3(DICER1):c.3260C>T (p.Ala1087Val)

Gene: DICER1 (dicer 1, ribonuclease III; minus strand). Cytogenetic location: 14q32.13.
Variant type: single nucleotide variant.
Coding change: c.3260C>T on transcript NM_177438.3 (MANE Select); coding-DNA position 3260, C replaced by T.
Protein change: p.Ala1087Val; replaces alanine 1087 with valine.
Molecular consequence: missense variant.
Genome position (GRCh38, 1-based): chr14:95,105,080, G>A on the plus strand (C>T on the coding strand, the complement: DICER1 is on the minus strand). VCF-style: chr14-95105080-G-A. GRCh37 (hg19) VCF-style: chr14-95571417-G-A.
Other names: c.3260C>T, p.Ala1087Val (NM_001195573.1, NM_001271282.3, NM_001291628.2 and 1 more transcripts); short protein forms A1087V.
Identifiers: ClinVar variation 412112 (VCV000412112.36), dbSNP rs180918578, ClinGen allele CA7331079.